The following is an entry in ClinVar:

ClinVar aggregate classification (germline): Uncertain significance (1 of 4 stars; one submission).

Allele frequency attached by ClinVar (database versions not stated): gnomAD exomes below 0.00001.
gnomAD v4.1: 1 of 1,614,028 alleles (0.000062%); highest among the groups gnomAD compares: Non-Finnish European, 0.000085%; no homozygotes.

Submission:

Labcorp Genetics (formerly Invitae), Labcorp
Classification: Uncertain significance. Last evaluated: 2022-06-12. Review status: criteria provided, single submitter. Criteria: Invitae Variant Classification Sherloc (09022015). Collection method: clinical testing. Allele origin: germline.
Comment: In summary, the available evidence is currently insufficient to determine the role of this variant in disease. Therefore, it has been classified as a Variant of Uncertain Significance. Algorithms developed to predict the effect of missense changes on protein structure and function are either unavailable or do not agree on the potential impact of this missense change (SIFT: "Not Available"; PolyPhen-2: "Benign"; Align-GVGD: "Not Available"). This variant has not been reported in the literature in individuals affected with ADAMTS18-related conditions. This variant is not present in population databases (gnomAD no frequency). This sequence change replaces valine, which is neutral and non-polar, with leucine, which is neutral and non-polar, at codon 1203 of the ADAMTS18 protein (p.Val1203Leu).

NM_199355.4(ADAMTS18):c.3607G>C (p.Val1203Leu)

Gene: ADAMTS18 (ADAM metallopeptidase with thrombospondin type 1 motif 18; minus strand). Cytogenetic location: 16q23.1.
Variant type: single nucleotide variant.
Coding change: c.3607G>C on transcript NM_199355.4 (MANE Select); coding-DNA position 3607, G replaced by C.
Protein change: p.Val1203Leu; replaces valine 1203 with leucine.
Molecular consequence: missense variant.
Genome position (GRCh38, 1-based): chr16:77,284,015, C>G on the plus strand (G>C on the coding strand, the complement: ADAMTS18 is on the minus strand). VCF-style: chr16-77284015-C-G. GRCh37 (hg19) VCF-style: chr16-77317912-C-G.
Other names: c.3091G>C, p.Val1031Leu (NM_001326358.2); short protein forms V1031L, V1203L.
Identifiers: ClinVar variation 1958409 (VCV001958409.5), dbSNP rs1239297796, ClinGen allele CA396829526.